The following is an entry in ClinVar:

ClinVar aggregate classification (germline): Uncertain significance (1 of 4 stars; one submission).

Allele frequency attached by ClinVar (database versions not stated): ExAC 0.00001; gnomAD exomes 0.00001.
gnomAD v4.1: 4 of 1,614,142 alleles (0.00025%); highest among the groups gnomAD compares: South Asian, 0.0044%; no homozygotes.

Submission:

Labcorp Genetics (formerly Invitae), Labcorp
Classification: Uncertain significance. Last evaluated: 2023-08-16. Review status: criteria provided, single submitter. Criteria: Invitae Variant Classification Sherloc (09022015). Collection method: clinical testing. Allele origin: germline.
Comment: This variant has not been reported in the literature in individuals affected with DMP1-related conditions. This sequence change replaces serine, which is neutral and polar, with phenylalanine, which is neutral and non-polar, at codon 468 of the DMP1 protein (p.Ser468Phe). This variant is present in population databases (rs769707653, gnomAD 0.006%). Advanced modeling of protein sequence and biophysical properties (such as structural, functional, and spatial information, amino acid conservation, physicochemical variation, residue mobility, and thermodynamic stability) performed at Invitae indicates that this missense variant is expected to disrupt DMP1 protein function. In summary, the available evidence is currently insufficient to determine the role of this variant in disease. Therefore, it has been classified as a Variant of Uncertain Significance.

NM_004407.4(DMP1):c.1403C>T (p.Ser468Phe)

Genes: DMP1 (dentin matrix acidic phosphoprotein 1; plus strand), DMP1-AS1 (DMP1 and DSPP antisense RNA 1; minus strand). Cytogenetic location: 4q22.1.
Variant type: single nucleotide variant.
Coding change: c.1403C>T on transcript NM_004407.4 (MANE Select); coding-DNA position 1403, C replaced by T.
Protein change: p.Ser468Phe; replaces serine 468 with phenylalanine.
Molecular consequence: missense variant.
Genome position (GRCh38, 1-based): chr4:87,663,181, C>T. VCF-style: chr4-87663181-C-T. GRCh37 (hg19) VCF-style: chr4-88584333-C-T.
Other names: c.1355C>T, p.Ser452Phe (NM_001079911.3); short protein forms S468F, S452F.
Identifiers: ClinVar variation 2753108 (VCV002753108.3), dbSNP rs769707653, ClinGen allele CA3002196.